The following is an entry in ClinVar:

ClinVar aggregate classification (germline): Uncertain significance. Review status: criteria provided, multiple submitters, no conflicts (2 of 4 stars). 5 submissions from 5 submitters: Uncertain significance (5). Last evaluated 2026-01-08.

Conditions:
Mitochondrial complex II deficiency, nuclear type 1. Also called: SUCCINATE CoQ REDUCTASE DEFICIENCY. Identifiers: Orphanet 3208, MedGen C5700310, MONDO:0100294, OMIM 252011.
Pheochromocytoma/paraganglioma syndrome 5. Also called: Paragangliomas 5; SDHA-Related Hereditary Paraganglioma-Pheochromocytoma Syndrome. Identifiers: Orphanet 29072, MedGen C3279992, MONDO:0013602, OMIM 614165.
Gastrointestinal stromal tumor. Also called: Gastrointestinal stroma tumor; Gastrointestinal stromal tumor, somatic. Identifiers: Orphanet 44890, MedGen C0238198, MeSH D046152, MONDO:0011719, OMIM 606764, HP:0100723.
Hereditary cancer-predisposing syndrome. Also called: Neoplastic Syndromes, Hereditary; Hereditary Cancer Syndrome; Tumor predisposition; Hereditary neoplastic syndrome. Identifiers: Orphanet 140162, MedGen C0027672, MeSH D009386, MONDO:0015356.

Allele frequency attached by ClinVar (database versions not stated): gnomAD exomes below 0.00001.
gnomAD v4.1: 6 of 1,613,694 alleles (0.00037%); highest among the groups gnomAD compares: Non-Finnish European, 0.00042%; no homozygotes.

Submissions (5):

Labcorp Genetics (formerly Invitae), Labcorp
Classification: Uncertain significance for Pheochromocytoma/paraganglioma syndrome 5; Mitochondrial complex II deficiency, nuclear type 1. Last evaluated: 2026-01-08. Review status: criteria provided, single submitter. Criteria: Invitae Variant Classification Sherloc (09022015). Collection method: clinical testing. Allele origin: germline.
Comment: This sequence change replaces glycine, which is neutral and non-polar, with valine, which is neutral and non-polar, at codon 233 of the SDHA protein (p.Gly233Val). This variant is not present in population databases (gnomAD no frequency). This missense change has been observed in individual(s) with SDH-deficient gastrointestinal stromal tumors (PMID: 35059314). ClinVar contains an entry for this variant (Variation ID: 239681). Invitae Evidence Modeling of protein sequence and biophysical properties (such as structural, functional, and spatial information, amino acid conservation, physicochemical variation, residue mobility, and thermodynamic stability) indicates that this missense variant is expected to disrupt SDHA protein function with a positive predictive value of 80%. Experimental studies have shown that this missense change affects SDHA function (PMID: 39321216). In summary, the available evidence is currently insufficient to determine the role of this variant in disease. Therefore, it has been classified as a Variant of Uncertain Significance.

Ambry Genetics
Classification: Uncertain significance for Hereditary cancer-predisposing syndrome. Last evaluated: 2024-12-05. Review status: criteria provided, single submitter. Criteria: Ambry Variant Classification Scheme 2023. Collection method: clinical testing. Allele origin: germline.
Comment: The p.G233V variant (also known as c.698G>T), located in coding exon 6 of the SDHA gene, results from a G to T substitution at nucleotide position 698. The glycine at codon 233 is replaced by valine, an amino acid with dissimilar properties. This variant was detected in a patient with a gastric SDHA-mutant GIST (Pantaleo MA et al. Front Oncol, 2021 Jan;11:778461). This variant was also detected in a patient with no personal or family history of SDHA-associated tumors in a cohort of 8600 patients who had tested positive for a SHDx variant regardless of history (Rana HQ et al. Cancers (Basel), 2024 Feb;16). This amino acid position is highly conserved in available vertebrate species. In addition, this alteration is predicted to be deleterious by in silico analysis. Based on the available evidence, the clinical significance of this variant remains unclear.

Mayo Clinic Laboratories, Mayo Clinic
Classification: Uncertain significance. Last evaluated: 2023-02-21. Review status: criteria provided, single submitter. Criteria: ACMG Guidelines, 2015. Collection method: clinical testing. Allele origin: germline. Observed: 1 variant allele.
Comment: PP3, PM3

“Giorgio Prodi” Cancer Research Center, University of Bologna
Classification: Uncertain significance for Gastrointestinal stromal tumor. Last evaluated: 2021-10-01. Review status: criteria provided, single submitter. Criteria: ACMG Guidelines, 2015. Collection method: research. Allele origin: germline. Affected: yes. Observed: 1 variant allele.

Blueprint Genetics
Classification: Uncertain significance. Last evaluated: 2020-04-23. Review status: criteria provided, single submitter. Criteria: ACMG Guidelines, 2015. Collection method: clinical testing. Allele origin: germline.

Literature cited by the submitters: PubMed 35059314 (cited by 3 submitters); PubMed 39321216 (cited by Labcorp Genetics (formerly Invitae), Labcorp); PubMed 38473309 (cited by Ambry Genetics).

NM_004168.4(SDHA):c.698G>T (p.Gly233Val)

Gene: SDHA (succinate dehydrogenase complex flavoprotein subunit A; plus strand). Cytogenetic location: 5p15.33.
Variant type: single nucleotide variant.
Coding change: c.698G>T on transcript NM_004168.4 (MANE Select); coding-DNA position 698, G replaced by T.
Protein change: p.Gly233Val; replaces glycine 233 with valine.
Molecular consequence: missense variant.
Genome position (GRCh38, 1-based): chr5:228,261, G>T. VCF-style: chr5-228261-G-T. GRCh37 (hg19) VCF-style: chr5-228376-G-T.
Other names: p.Gly233Val; c.554G>T, p.Gly185Val (NM_001294332.2); c.698G>T, p.Gly233Val (NM_001330758.2); short protein forms G233V, G185V.
Identifiers: ClinVar variation 239681 (VCV000239681.23), dbSNP rs878854636, ClinGen allele CA10582422.